The following is an entry in ClinVar:

NM_017636.4(TRPM4):c.3047C>T (p.Ala1016Val)

Gene: TRPM4 (transient receptor potential cation channel subfamily M member 4; plus strand). Cytogenetic location: 19q13.33.
Variant type: single nucleotide variant.
Coding change: c.3047C>T on transcript NM_017636.4 (MANE Select); coding-DNA position 3047, C replaced by T.
Protein change: p.Ala1016Val; replaces alanine 1016 with valine.
Molecular consequence: missense variant.
Genome position (GRCh38, 1-based): chr19:49,202,057, C>T. VCF-style: chr19-49202057-C-T. GRCh37 (hg19) VCF-style: chr19-49705314-C-T.
Other names: c.2612C>T, p.Ala871Val (NM_001195227.2); c.2702C>T, p.Ala901Val (NM_001321281.2); c.1439C>T, p.Ala480Val (NM_001321282.2); c.2525C>T, p.Ala842Val (NM_001321283.2); c.1985C>T, p.Ala662Val (NM_001321285.2); short protein forms A662V, A1016V, A480V, A842V, A871V, A901V.
Identifiers: ClinVar variation 1799201 (VCV001799201.2), dbSNP rs2514209575, ClinGen allele CA406812853.

ClinVar aggregate classification (germline): Uncertain significance (1 of 4 stars; one submission).

Conditions:
Cardiovascular phenotype. Identifiers: MedGen CN230736.

Allele frequency attached by ClinVar (database versions not stated): gnomAD exomes below 0.00001.
gnomAD v4.1: 3 of 1,614,066 alleles (0.00019%); highest among the groups gnomAD compares: Non-Finnish European, 0.00025%; no homozygotes.

Submission:

Ambry Genetics
Classification: Uncertain significance for Cardiovascular phenotype. Last evaluated: 2022-03-04. Review status: criteria provided, single submitter. Criteria: Ambry Variant Classification Scheme 2023. Collection method: clinical testing. Allele origin: germline.
Comment: The p.A1016V variant (also known as c.3047C>T), located in coding exon 20 of the TRPM4 gene, results from a C to T substitution at nucleotide position 3047. The alanine at codon 1016 is replaced by valine, an amino acid with similar properties. This amino acid position is conserved. In addition, the in silico prediction for this alteration is inconclusive. Since supporting evidence is limited at this time, the clinical significance of this alteration remains unclear.